The following is an entry in ClinVar:

NM_017802.4(DNAAF5):c.190G>T (p.Ala64Ser)

Genes: DNAAF5 (dynein axonemal assembly factor 5; plus strand), PRKAR1B (protein kinase cAMP-dependent type I regulatory subunit beta; minus strand), LOC129997730 (ATAC-STARR-seq lymphoblastoid silent region 17816; plus strand). Cytogenetic location: 7p22.3.
Variant type: single nucleotide variant.
Coding change: c.190G>T on transcript NM_017802.4 (MANE Select); coding-DNA position 190, G replaced by T.
Protein change: p.Ala64Ser; replaces alanine 64 with serine.
Molecular consequence: missense variant. On other transcripts: non-coding transcript variant (1), intron variant (3).
Genome position (GRCh38, 1-based): chr7:726,910, G>T. VCF-style: chr7-726910-G-T. GRCh37 (hg19) VCF-style: chr7-766547-G-T.
Other names: c.-23+745C>A (NM_001164759.1); c.-23+680C>A (NM_001164758.2); c.-23+300C>A (NM_001164760.2); short protein forms A64S.
Identifiers: ClinVar variation 1782486 (VCV001782486.2), dbSNP rs1353152566, ClinGen allele CA366529936.

ClinVar aggregate classification (germline): Uncertain significance (1 of 4 stars; one submission).

Conditions:
Primary ciliary dyskinesia. Also called: Ciliary dyskinesia. Identifiers: Orphanet 244, MedGen C0008780, MONDO:0016575, HP:0012265.

Allele frequency attached by ClinVar (database versions not stated): TOPMed 0.00002; gnomAD 0.00003.

Submission:

Ambry Genetics
Classification: Uncertain significance for Primary ciliary dyskinesia. Last evaluated: 2019-01-10. Review status: criteria provided, single submitter. Criteria: Ambry Variant Classification Scheme 2023. Collection method: clinical testing. Allele origin: germline.
Comment: The p.A64S variant (also known as c.190G>T), located in coding exon 1 of the DNAAF5 gene, results from a G to T substitution at nucleotide position 190. The alanine at codon 64 is replaced by serine, an amino acid with similar properties. This amino acid position is poorly conserved in available vertebrate species. In addition, this alteration is predicted to be tolerated by in silico analysis. Since supporting evidence is limited at this time, the clinical significance of this alteration remains unclear.